The following is an entry in ClinVar:

NM_007294.4(BRCA1):c.4503C>A (p.Cys1501Ter)

Gene: BRCA1 (BRCA1 DNA repair associated; minus strand). Cytogenetic location: 17q21.31.
Variant type: single nucleotide variant.
Coding change: c.4503C>A on transcript NM_007294.4 (MANE Select); coding-DNA position 4503, C replaced by A.
Protein change: p.Cys1501Ter; replaces cysteine 1501 with a stop codon.
Molecular consequence: nonsense. On other transcripts: non-coding transcript variant (1).
Genome position (GRCh38, 1-based): chr17:43,074,503, G>T on the plus strand (C>A on the coding strand, the complement: BRCA1 is on the minus strand). VCF-style: chr17-43074503-G-T. GRCh37 (hg19) VCF-style: chr17-41226520-G-T.
Other names: 4622C>A (C1501X); c.4290C>A, p.Cys1430Ter (NM_001407571.1, NM_001407907.1, NM_001407908.1 and 12 more transcripts); c.4569C>A, p.Cys1523Ter (NM_001407581.1, NM_001407582.1); c.4566C>A, p.Cys1522Ter (NM_001407583.1, NM_001407585.1, NM_001407587.1 and 1 more transcripts); c.4563C>A, p.Cys1521Ter (NM_001407590.1, NM_001407591.1); c.4503C>A, p.Cys1501Ter (NM_001407593.1, NM_001407594.1, NM_001407596.1 and 8 more transcripts); c.4500C>A, p.Cys1500Ter (NM_001407614.1, NM_001407615.1, NM_001407616.1 and 17 more transcripts); c.4497C>A, p.Cys1499Ter (NM_001407633.1, NM_001407634.1, NM_001407635.1 and 14 more transcripts); and 69 more; short protein forms C1501*, C397*, C1522*, C1454*, C270*, C288*, C326*, C327*.
Identifiers: ClinVar variation 266478 (VCV000266478.15), dbSNP rs747539984, ClinGen allele CA10589661.

ClinVar aggregate classification (germline): Pathogenic. Review status: reviewed by expert panel (3 of 4 stars). 7 submissions from 7 submitters: Pathogenic (1). 6 of the submissions do not count toward it. Last evaluated 2016-10-18.

Conditions:
Hereditary breast ovarian cancer syndrome. Also called: Hereditary breast and ovarian cancer syndrome (HBOC); Breast and ovarian cancer; Hereditary breast and ovarian cancer syndrome; Hereditary breast and ovarian cancer; BRCA1- and BRCA2-Associated Hereditary Breast and Ovarian Cancer; Hereditary breast and/or ovarian cancer syndrome. Identifiers: Orphanet 145, MedGen C0677776, MeSH D061325, MONDO:0003582. Disease mechanism: loss of function.
Ovarian carcinoma. Identifiers: MedGen C4721610, MONDO:0005140, HP:0025318.
Breast-ovarian cancer, familial, susceptibility to, 1 (BROVCA1). Also called: BRCA1 Hereditary Breast and Ovarian Cancer; OVARIAN CANCER, SUSCEPTIBILITY TO. Identifiers: Orphanet 145, MedGen C2676676, MONDO:0011450, OMIM 604370. Disease mechanism: loss of function.

Submissions (7):

Evidence-based Network for the Interpretation of Germline Mutant Alleles (ENIGMA)
Classification: Pathogenic for Breast-ovarian cancer, familial, susceptibility to, 1. Last evaluated: 2016-10-18. Review status: reviewed by expert panel. Criteria: ENIGMA BRCA1/2 Classification Criteria (2015). Collection method: curation. Allele origin: germline.
Comment: Variant allele predicted to encode a truncated non-functional protein.

Women's Health and Genetics/Laboratory Corporation of America, LabCorp
Classification: Pathogenic for Hereditary breast ovarian cancer syndrome. Last evaluated: 2023-08-11. Review status: criteria provided, single submitter. Criteria: LabCorp Variant Classification Summary - May 2015. Collection method: clinical testing. Allele origin: germline. Not counted in ClinVar's aggregate classification.
Comment: Variant summary: BRCA1 c.4503C>A (p.Cys1501X) results in a premature termination codon, predicted to cause a truncation of the encoded protein or absence of the protein due to nonsense mediated decay, which are commonly known mechanisms for disease. The variant was absent in 251274 control chromosomes. c.4503C>A has been reported in the literature in individuals affected with Hereditary Breast And Ovarian Cancer Syndrome (eg. Klusa_2015). To our knowledge, no experimental evidence demonstrating an impact on protein function has been reported. Five submitters have cited clinical-significance assessments for this variant to ClinVar after 2014. All submitters classified the variant as pathogenic. Based on the evidence outlined above, the variant was classified as pathogenic.

Clinical Genetics Laboratory, Skane University Hospital Lund
Classification: Pathogenic. Last evaluated: 2022-05-27. Review status: criteria provided, single submitter. Criteria: ACMG Guidelines, 2015. Collection method: clinical testing. Allele origin: germline. Affected: yes. Not counted in ClinVar's aggregate classification.

Labcorp Genetics (formerly Invitae), Labcorp
Classification: Pathogenic for Hereditary breast ovarian cancer syndrome. Last evaluated: 2021-11-12. Review status: criteria provided, single submitter. Criteria: Invitae Variant Classification Sherloc (09022015). Collection method: clinical testing. Allele origin: germline. Not counted in ClinVar's aggregate classification.
Comment: This sequence change creates a premature translational stop signal (p.Cys1501*) in the BRCA1 gene. It is expected to result in an absent or disrupted protein product. Loss-of-function variants in BRCA1 are known to be pathogenic (PMID: 20104584). This variant is not present in population databases (gnomAD no frequency). This premature translational stop signal has been observed in individual(s) with breast cancer (PMID: 25948282). ClinVar contains an entry for this variant (Variation ID: 266478). For these reasons, this variant has been classified as Pathogenic.

Department of Molecular Diagnostics, Institute of Oncology Ljubljana
Classification: Pathogenic for Breast-ovarian cancer, familial, susceptibility to, 1. Last evaluated: 2020-04-02. Review status: criteria provided, single submitter. Criteria: ACMG Guidelines, 2015. Collection method: clinical testing. Allele origin: germline. Affected: yes. Not counted in ClinVar's aggregate classification.

Consortium of Investigators of Modifiers of BRCA1/2 (CIMBA), c/o University of Cambridge
Classification: Pathogenic for Breast-ovarian cancer, familial, susceptibility to, 1. Last evaluated: 2015-10-02. Review status: criteria provided, single submitter. Criteria: CIMBA Mutation Classification guidelines May 2016. Collection method: clinical testing. Allele origin: germline. Not counted in ClinVar's aggregate classification.

Medical Genetics Laboratory, Umraniye Training and Research Hospital, University of Health Sciences
Classification: Pathogenic for Ovarian carcinoma. Last evaluated: 2021-09-12. Review status: no assertion criteria provided. Collection method: clinical testing. Allele origin: germline. Inheritance: Autosomal dominant inheritance. Affected: yes. Observed: 1 heterozygote. Not counted in ClinVar's aggregate classification.

Literature cited by the submitters: PubMed 25948282 (cited by Women's Health and Genetics/Laboratory Corporation of America, LabCorp and Labcorp Genetics (formerly Invitae), Labcorp); PubMed 20104584 (cited by Labcorp Genetics (formerly Invitae), Labcorp).